The following is an entry in ClinVar:

ClinVar aggregate classification (germline): Likely benign (1 of 4 stars; one submission).

Conditions:
Ehlers-Danlos syndrome, dermatosparaxis type. Also called: EDS VIIC; Dermatosparaxis; Ehlers-Danlos syndrome, type VII, autosomal recessive. Identifiers: Orphanet 1901, MedGen C2700425, MONDO:0009161, OMIM 225410.

Allele frequency attached by ClinVar (database versions not stated): gnomAD 0.00026 and 0.00078; TOPMed 0.00040; 1000 Genomes Project 0.00260; 1000 Genomes Project 30x 0.00281.

Submission:

Illumina Laboratory Services, Illumina
Classification: Likely benign for Ehlers-Danlos syndrome, dermatosparaxis type. Last evaluated: 2018-01-13. Review status: criteria provided, single submitter. Criteria: ICSL Variant Classification Criteria 13 December 2019. Collection method: clinical testing. Allele origin: germline.
Comment: This variant was observed in the ICSL laboratory as part of a predisposition screen in an ostensibly healthy population. It had not been previously curated by ICSL or reported in the Human Gene Mutation Database (HGMD: prior to June 1st, 2018), and was therefore a candidate for classification through an automated scoring system. Utilizing variant allele frequency, disease prevalence and penetrance estimates, and inheritance mode, an automated score was calculated to assess if this variant is too frequent to cause the disease. Based on the score and internal cut-off values, a variant classified as likely benign is not then subjected to further curation. The score for this variant resulted in a classification of likely benign for this disease.

NM_014244.5(ADAMTS2):c.*1797C>T

Gene: ADAMTS2 (ADAM metallopeptidase with thrombospondin type 1 motif 2; minus strand). Cytogenetic location: 5q35.3.
Variant type: single nucleotide variant.
Coding change: c.*1797C>T on transcript NM_014244.5 (MANE Select); 1797 bases downstream of the stop codon, C replaced by T.
Molecular consequence: 3 prime UTR variant.
Genome position (GRCh38, 1-based): chr5:179,112,070, G>A on the plus strand (C>T on the coding strand, the complement: ADAMTS2 is on the minus strand). VCF-style: chr5-179112070-G-A. GRCh37 (hg19) VCF-style: chr5-178539071-G-A.
Identifiers: ClinVar variation 353057 (VCV000353057.5), dbSNP rs553329835, ClinGen allele CA10620179.